The following is an entry in ClinVar:

NM_177438.3(DICER1):c.5419G>A (p.Ala1807Thr)

Gene: DICER1 (dicer 1, ribonuclease III; minus strand). Cytogenetic location: 14q32.13.
Variant type: single nucleotide variant.
Coding change: c.5419G>A on transcript NM_177438.3 (MANE Select); coding-DNA position 5419, G replaced by A.
Protein change: p.Ala1807Thr; replaces alanine 1807 with threonine.
Molecular consequence: missense variant. On other transcripts: non-coding transcript variant (6), intron variant (1).
Genome position (GRCh38, 1-based): chr14:95,091,311, C>T on the plus strand (G>A on the coding strand, the complement: DICER1 is on the minus strand). VCF-style: chr14-95091311-C-T. GRCh37 (hg19) VCF-style: chr14-95557648-C-T.
Other names: c.5419G>A, p.Ala1807Thr (NM_001271282.3, NM_001291628.2, NM_001395677.1 and 7 more transcripts); c.5137G>A, p.Ala1713Thr (NM_001395686.1); c.5014G>A, p.Ala1672Thr (NM_001395687.1, NM_001395688.1, NM_001395689.1 and 1 more transcripts); c.4852G>A, p.Ala1618Thr (NM_001395691.1); c.3736G>A, p.Ala1246Thr (NM_001395697.1); c.5365-202G>A (NM_001195573.1); short protein forms A1246T, A1618T, A1672T, A1713T, A1807T.
Identifiers: ClinVar variation 3628969 (VCV003628969.2).
Genomic context (GRCh38, chr14:95,091,311, plus strand): 5'-GTGACATCCCACTATCCATGTAAATGGCACCAGCAAGCGACTCAAAAATATCCCCCATGG[C>T]CTTTGGAACTTCAATATCCTCTTCTTTCTCTTCATCCTCCTCAGATCTCCTAAGCTATTA-3'
Protein context (NP_803187.1, residues 1797-1817): EKEEDIEVPK[Ala1807Thr]MGDIFESLAG

ClinVar aggregate classification (germline): Uncertain significance (1 of 4 stars; one submission).

Conditions:
DICER1-related tumor predisposition. Also called: DICER1-related pleuropulmonary blastoma cancer predisposition syndrome; DICER1 syndrome. Identifiers: Orphanet 284343, MedGen C3839822, MONDO:0100216.

Submission:

Labcorp Genetics (formerly Invitae), Labcorp
Classification: Uncertain significance for DICER1-related tumor predisposition. Last evaluated: 2024-02-13. Review status: criteria provided, single submitter. Criteria: Invitae Variant Classification Sherloc (09022015). Collection method: clinical testing. Allele origin: germline.
Comment: This sequence change replaces alanine, which is neutral and non-polar, with threonine, which is neutral and polar, at codon 1807 of the DICER1 protein (p.Ala1807Thr). This variant is not present in population databases (gnomAD no frequency). This variant has not been reported in the literature in individuals affected with DICER1-related conditions. An algorithm developed to predict the effect of missense changes on protein structure and function (PolyPhen-2) suggests that this variant is likely to be disruptive. In summary, the available evidence is currently insufficient to determine the role of this variant in disease. Therefore, it has been classified as a Variant of Uncertain Significance.